The following is an entry in ClinVar:

ClinVar aggregate classification (germline): Uncertain significance (1 of 4 stars; one submission).

Submission:

GeneDx
Classification: Uncertain significance. Last evaluated: 2026-01-29. Review status: criteria provided, single submitter. Criteria: GeneDx Variant Classification Process June 2021. Collection method: clinical testing. Allele origin: germline.
Comment: Not observed at significant frequency in large population cohorts (gnomAD); In silico analysis suggests that this missense variant does not alter protein structure/function; Has not been previously published as pathogenic or benign to our knowledge

NM_001145252.3(CFP):c.1397A>G (p.Glu466Gly)

Gene: CFP (complement factor properdin; minus strand). Cytogenetic location: Xp11.23.
Variant type: single nucleotide variant.
Coding change: c.1397A>G on transcript NM_001145252.3 (MANE Select); coding-DNA position 1397, A replaced by G.
Protein change: p.Glu466Gly; replaces glutamic acid 466 with glycine.
Molecular consequence: missense variant.
Genome position (GRCh38, 1-based): chrX:47,624,288, T>C on the plus strand (A>G on the coding strand, the complement: CFP is on the minus strand). VCF-style: chrX-47624288-T-C. GRCh37 (hg19) VCF-style: chrX-47483687-T-C.
Other names: c.1397A>G, p.Glu466Gly (NM_002621.2); short protein forms E466G.
Identifiers: ClinVar variation 4975558 (VCV004975558.1).